The following is an entry in ClinVar:

NM_005591.4(MRE11):c.1292A>C (p.Asp431Ala)

Gene: MRE11 (MRE11 double strand break repair nuclease; minus strand). Cytogenetic location: 11q21.
Variant type: single nucleotide variant.
Coding change: c.1292A>C on transcript NM_005591.4 (MANE Select); coding-DNA position 1292, A replaced by C.
Protein change: p.Asp431Ala; replaces aspartic acid 431 with alanine.
Molecular consequence: missense variant.
Genome position (GRCh38, 1-based): chr11:94,460,970, T>G on the plus strand (A>C on the coding strand, the complement: MRE11 is on the minus strand). VCF-style: chr11-94460970-T-G. GRCh37 (hg19) VCF-style: chr11-94194136-T-G.
Other names: c.1292A>C, p.Asp431Ala (NM_001330347.2, NM_005590.4); short protein forms D431A.
Identifiers: ClinVar variation 3224822 (VCV003224822.1), dbSNP rs2496399579, ClinGen allele CA382372345.

ClinVar aggregate classification (germline): Uncertain significance (1 of 4 stars; one submission).

Conditions:
Hereditary cancer-predisposing syndrome. Also called: Tumor predisposition; Hereditary neoplastic syndrome; Hereditary Cancer Syndrome; Neoplastic Syndromes, Hereditary. Identifiers: Orphanet 140162, MedGen C0027672, MeSH D009386, MONDO:0015356.

Submission:

Ambry Genetics
Classification: Uncertain significance for Hereditary cancer-predisposing syndrome. Last evaluated: 2024-03-12. Review status: criteria provided, single submitter. Criteria: Ambry Variant Classification Scheme 2023. Collection method: clinical testing. Allele origin: germline.
Comment: The p.D431A variant (also known as c.1292A>C), located in coding exon 11 of the MRE11A gene, results from an A to C substitution at nucleotide position 1292. The aspartic acid at codon 431 is replaced by alanine, an amino acid with dissimilar properties. This amino acid position is conserved. In addition, this alteration is predicted to be deleterious by in silico analysis. Based on the available evidence, the clinical significance of this alteration remains unclear.